The following is an entry in ClinVar:

ClinVar aggregate classification (germline): Uncertain significance (1 of 4 stars; one submission).

Submission:

Ambry Genetics
Classification: Uncertain significance. Last evaluated: 2021-12-11. Review status: criteria provided, single submitter. Criteria: Ambry Variant Classification Scheme 2023. Collection method: clinical testing. Allele origin: germline.
Comment: The p.R1098W variant (also known as c.3292A>T), located in coding exon 2 of the MLH3 gene, results from an A to T substitution at nucleotide position 3292. The arginine at codon 1098 is replaced by tryptophan, an amino acid with dissimilar properties. This amino acid position is conserved. In addition, the in silico prediction for this alteration is inconclusive. Since supporting evidence is limited at this time, the clinical significance of this alteration remains unclear.

NM_001040108.2(MLH3):c.3292A>T (p.Arg1098Trp)

Gene: MLH3 (mutL homolog 3; minus strand). Cytogenetic location: 14q24.3.
Variant type: single nucleotide variant.
Coding change: c.3292A>T on transcript NM_001040108.2 (MANE Select); coding-DNA position 3292, A replaced by T.
Protein change: p.Arg1098Trp; replaces arginine 1098 with tryptophan.
Molecular consequence: missense variant.
Genome position (GRCh38, 1-based): chr14:75,042,466, T>A on the plus strand (A>T on the coding strand, the complement: MLH3 is on the minus strand). VCF-style: chr14-75042466-T-A. GRCh37 (hg19) VCF-style: chr14-75509169-T-A.
Other names: c.3292A>T, p.Arg1098Trp (NM_014381.3); short protein forms R1098W.
Identifiers: ClinVar variation 1729857 (VCV001729857.2), dbSNP rs780193536, ClinGen allele CA390432046.
Genomic context (GRCh38, chr14:75,042,466, plus strand): 5'-TCTCTGCTCGAGCTCTCGGAAGGAAAGGAAGAACAAGGTCGCTTCTAAAAGGTTGACACC[T>A]GTACTGAGACCCTAAATATAAGAAAGAAAAACCTAGAAATGTGAACTTAAAATACAAGTA-3'
Protein context (NP_001035197.1, residues 1088-1108): DVVLENGSQY[Arg1098Trp]CQPFRSDLVL